The following is an entry in ClinVar:

NM_003024.3(ITSN1):c.1357C>T (p.Arg453Ter)

Gene: ITSN1 (intersectin 1; plus strand). Cytogenetic location: 21q22.11.
Variant type: single nucleotide variant.
Coding change: c.1357C>T on transcript NM_003024.3 (MANE Select); coding-DNA position 1357, C replaced by T.
Protein change: p.Arg453Ter; replaces arginine 453 with a stop codon.
Molecular consequence: nonsense.
Genome position (GRCh38, 1-based): chr21:33,774,780, C>T. VCF-style: chr21-33774780-C-T. GRCh37 (hg19) VCF-style: chr21-35147084-C-T.
Other names: c.1357C>T, p.Arg453Ter (NM_001001132.2, NM_001331008.2, NM_001331009.2 and 2 more transcripts); c.1246C>T, p.Arg416Ter (NM_001331012.2); short protein forms R416*, R453*.
Identifiers: ClinVar variation 5009075 (VCV005009075.1).

ClinVar aggregate classification (germline): Pathogenic (1 of 4 stars; one submission).

Submission:

GeneDx
Classification: Pathogenic. Last evaluated: 2026-03-12. Review status: criteria provided, single submitter. Criteria: GeneDx Variant Classification Process June 2021. Collection method: clinical testing. Allele origin: germline.
Comment: Nonsense variant predicted to result in protein truncation or nonsense mediated decay in a gene for which loss of function is a known mechanism of disease; Not observed at significant frequency in large population cohorts (gnomAD); Has not been previously published in association with ITSN1-related neurodevelopmental disorder to our knowledge; This variant is associated with the following publications: (PMID: 39147844)